The following is an entry in ClinVar:

NM_004525.3(LRP2):c.7626C>G (p.Arg2542=)

Gene: LRP2 (LDL receptor related protein 2; minus strand). Cytogenetic location: 2q31.1.
Variant type: single nucleotide variant.
Coding change: c.7626C>G on transcript NM_004525.3 (MANE Select); coding-DNA position 7626, C replaced by G.
Protein change: p.Arg2542=; no amino-acid change (arginine 2542 retained).
Molecular consequence: synonymous variant.
Genome position (GRCh38, 1-based): chr2:169,205,568, G>C on the plus strand (C>G on the coding strand, the complement: LRP2 is on the minus strand). VCF-style: chr2-169205568-G-C. GRCh37 (hg19) VCF-style: chr2-170062078-G-C.
Other names: p.Arg2542=.
Identifiers: ClinVar variation 129536 (VCV000129536.23), dbSNP rs13397109, ClinGen allele CA153609.

ClinVar aggregate classification (germline): Benign. Review status: criteria provided, multiple submitters, no conflicts (2 of 4 stars). 8 submissions from 8 submitters: Benign (7). 1 of the submissions does not count toward it. Last evaluated 2026-02-04.

Conditions:
Donnai-Barrow syndrome. Also called: DBS/FOAR SYNDROME; FACIOOCULOACOUSTICORENAL SYNDROME. Identifiers: Orphanet 2143, MedGen C1857277, MONDO:0009104, OMIM 222448.

Allele frequency attached by ClinVar (database versions not stated): gnomAD 0.12249; TOPMed 0.13315; 1000 Genomes Project 0.13638; ESP Exome Variant Server 0.13771; 1000 Genomes Project 30x 0.14335.
gnomAD v4.1: 109,323 of 1,613,650 alleles (6.8%); highest among the groups gnomAD compares: African/African-American, 31%; 6,434 homozygotes.

Submissions (8):

Labcorp Genetics (formerly Invitae), Labcorp
Classification: Benign. Last evaluated: 2026-02-04. Review status: criteria provided, single submitter. Criteria: Invitae Variant Classification Sherloc (09022015). Collection method: clinical testing. Allele origin: germline.

Mayo Clinic Laboratories, Mayo Clinic
Classification: Benign. Last evaluated: 2022-11-10. Review status: criteria provided, single submitter. Criteria: ACMG Guidelines, 2015. Collection method: clinical testing. Allele origin: germline. Observed: 21 variant alleles.

Genome-Nilou Lab
Classification: Benign for Donnai-Barrow syndrome. Last evaluated: 2021-07-15. Review status: criteria provided, single submitter. Criteria: ACMG Guidelines, 2015. Collection method: clinical testing. Allele origin: germline. Affected: no.

Illumina Laboratory Services, Illumina
Classification: Benign for Donnai-Barrow syndrome. Last evaluated: 2018-01-12. Review status: criteria provided, single submitter. Criteria: ICSL Variant Classification Criteria 13 December 2019. Collection method: clinical testing. Allele origin: germline.
Comment: This variant was observed in the ICSL laboratory as part of a predisposition screen in an ostensibly healthy population. It had not been previously curated by ICSL or reported in the Human Gene Mutation Database (HGMD: prior to June 1st, 2018), and was therefore a candidate for classification through an automated scoring system. Utilizing variant allele frequency, disease prevalence and penetrance estimates, and inheritance mode, an automated score was calculated to assess if this variant is too frequent to cause the disease. Based on the score and internal cut-off values, a variant classified as benign is not then subjected to further curation. The score for this variant resulted in a classification of benign for this disease.

GeneDx
Classification: Benign. Last evaluated: 2015-03-03. Review status: criteria provided, single submitter. Criteria: GeneDx Variant Classification Process June 2021. Collection method: clinical testing. Allele origin: germline. Affected: yes.

Breakthrough Genomics
Classification: Benign. Review status: criteria provided, single submitter. Criteria: ACMG Guidelines, 2015. Collection method: not provided. Allele origin: germline. Inheritance: Autosomal recessive inheritance. Affected: yes.

PreventionGenetics, part of Exact Sciences
Classification: Benign. Review status: criteria provided, single submitter. Criteria: ACMG Guidelines, 2015. Collection method: clinical testing. Allele origin: germline.

Genetic Services Laboratory, University of Chicago
Classification: Likely benign for AllHighlyPenetrant. Review status: no assertion criteria provided. Collection method: clinical testing. Allele origin: germline. Inheritance: Autosomal recessive inheritance. Not counted in ClinVar's aggregate classification.
Comment: Likely benign based on allele frequency in 1000 Genomes Project or ESP global frequency and its presence in a patient with a rare or unrelated disease phenotype. NOT Sanger confirmed.